The following is an entry in ClinVar:

ClinVar aggregate classification (germline): Likely pathogenic (1 of 4 stars; one submission).

Conditions:
RYR1-related disorder. Also called: RYR1-related condition; RYR1-related disorders. Identifiers: MedGen CN239331.

Submission:

Labcorp Genetics (formerly Invitae), Labcorp
Classification: Likely pathogenic for RYR1-related disorder. Last evaluated: 2020-12-18. Review status: criteria provided, single submitter. Criteria: Invitae Variant Classification Sherloc (09022015). Collection method: clinical testing. Allele origin: germline.
Comment: This variant has not been reported in the literature in individuals with RYR1-related disease. In summary, the currently available evidence indicates that the variant is pathogenic, but additional data are needed to prove that conclusively. Therefore, this variant has been classified as Likely Pathogenic. Donor and acceptor splice site variants typically lead to a loss of protein function (PMID: 16199547), and loss-of-function variants in RYR1 are known to be pathogenic (PMID: 20583297, 23919265). Algorithms developed to predict the effect of sequence changes on RNA splicing suggest that this variant may disrupt the consensus splice site, but this prediction has not been confirmed by published transcriptional studies. This variant is not present in population databases (ExAC no frequency). This sequence change affects an acceptor splice site in intron 52 of the RYR1 gene. It is expected to disrupt RNA splicing and likely results in an absent or disrupted protein product.

Literature cited by the submitters: PubMed 16199547; PubMed 20583297; PubMed 23919265.

NM_000540.3(RYR1):c.8311-1G>C

Genes: RYR1 (ryanodine receptor 1; plus strand), LOC126862902 (BRD4-independent group 4 enhancer GRCh37_chr19:38995830-38997029; plus strand). Cytogenetic location: 19q13.2.
Variant type: single nucleotide variant.
Coding change: c.8311-1G>C on transcript NM_000540.3 (MANE Select); the canonical splice acceptor site of the intron before coding-DNA position 8311, G replaced by C.
Molecular consequence: splice acceptor variant.
Genome position (GRCh38, 1-based): chr19:38,505,308, G>C. VCF-style: chr19-38505308-G-C. GRCh37 (hg19) VCF-style: chr19-38995948-G-C.
Other names: c.8311-1G>C (NM_001042723.2).
Identifiers: ClinVar variation 544397 (VCV000544397.7), dbSNP rs1555785388, ClinGen allele CA405677342.